The following is an entry in ClinVar:

ClinVar aggregate classification (germline): Benign/Likely benign. Review status: criteria provided, multiple submitters, no conflicts (2 of 4 stars). 5 submissions from 5 submitters: Benign (3); Likely benign (2). Last evaluated 2025-12-15.

Conditions:
Catecholaminergic polymorphic ventricular tachycardia (CVPT). Also called: Catecholamine-induced polymorphic ventricular tachycardia. Identifiers: Orphanet 3286, MedGen C5574922, MONDO:0017990.
Cardiovascular phenotype. Identifiers: MedGen CN230736.
Catecholaminergic polymorphic ventricular tachycardia 1. Also called: RYR2-Related Catecholaminergic Polymorphic Ventricular Tachycardia; VENTRICULAR TACHYCARDIA, CATECHOLAMINERGIC POLYMORPHIC, 1, WITH OR WITHOUT ATRIAL DYSFUNCTION AND/OR DILATED CARDIOMYOPATHY; VENTRICULAR TACHYCARDIA, STRESS-INDUCED POLYMORPHIC 1. Identifiers: Orphanet 3286, MedGen C1631597, MONDO:0011484, OMIM 604772.
Cardiomyopathy (CMYO). Also called: Cardiomyopathies. Identifiers: Orphanet 167848, MedGen C0878544, MONDO:0004994, HP:0001638. Inheritance: Various modes of inheritance.

Allele frequency attached by ClinVar (database versions not stated): gnomAD 0.00002 and 0.00007; TOPMed 0.00003; gnomAD exomes 0.00009 and 0.00016; ExAC 0.00015; 1000 Genomes Project 30x 0.00016; 1000 Genomes Project 0.00020.
gnomAD v4.1: 139 of 1,613,832 alleles (0.0086%); highest among the groups gnomAD compares: South Asian, 0.12%; no homozygotes.

Submissions (5):

Labcorp Genetics (formerly Invitae), Labcorp
Classification: Benign for Catecholaminergic polymorphic ventricular tachycardia 1. Last evaluated: 2025-12-15. Review status: criteria provided, single submitter. Criteria: Invitae Variant Classification Sherloc (09022015). Collection method: clinical testing. Allele origin: germline.

Blueprint Genetics
Classification: Likely benign. Last evaluated: 2024-01-30. Review status: criteria provided, single submitter. Criteria: ACMG Guidelines, 2015. Collection method: clinical testing. Allele origin: germline.

All of Us Research Program, National Institutes of Health
Classification: Benign for Catecholaminergic polymorphic ventricular tachycardia. Last evaluated: 2023-11-30. Review status: criteria provided, single submitter. Criteria: ACMG Guidelines, 2015. Collection method: clinical testing. Allele origin: germline. Inheritance: Autosomal dominant inheritance. Observed: 8 variant alleles, 8 heterozygotes.
Comment: This study involves interpretation of variants in research participants for the purpose of population health screening. Participant phenotype was not available at the time of variant classification. Additional details can be found in publication PMID: 35346344, PMCID: PMC8962531

Ambry Genetics
Classification: Likely benign for Cardiovascular phenotype. Last evaluated: 2023-03-24. Review status: criteria provided, single submitter. Criteria: Ambry Variant Classification Scheme 2023. Collection method: clinical testing. Allele origin: germline.

Color Diagnostics, LLC DBA Color Health
Classification: Benign for Cardiomyopathy. Last evaluated: 2018-10-16. Review status: criteria provided, single submitter. Criteria: ACMG Guidelines, 2015. Collection method: clinical testing. Allele origin: germline.

NM_001035.3(RYR2):c.3933G>A (p.Ala1311=)

Genes: RYR2 (ryanodine receptor 2; plus strand), LOC126806067 (BRD4-independent group 4 enhancer GRCh37_chr1:237753258-237754457; plus strand). Cytogenetic location: 1q43.
Variant type: single nucleotide variant.
Coding change: c.3933G>A on transcript NM_001035.3 (MANE Select); coding-DNA position 3933, G replaced by A.
Protein change: p.Ala1311=; no amino-acid change (alanine 1311 retained).
Molecular consequence: synonymous variant.
Genome position (GRCh38, 1-based): chr1:237,590,765, G>A. VCF-style: chr1-237590765-G-A. GRCh37 (hg19) VCF-style: chr1-237754065-G-A.
Other names: c.3933G>A, p.Ala1311= (LRG_402t1).
Identifiers: ClinVar variation 627745 (VCV000627745.18), dbSNP rs573948177, ClinGen allele CA086504.